The following is an entry in ClinVar:

ClinVar aggregate classification (germline): Benign (1 of 4 stars; one submission).

Submission:

GeneDx
Classification: Benign. Last evaluated: 2018-06-16. Review status: criteria provided, single submitter. Criteria: GeneDx Variant Classification (06012015). Collection method: clinical testing. Allele origin: germline. Affected: yes.
Comment: This variant is considered likely benign or benign based on one or more of the following criteria: it is a conservative change, it occurs at a poorly conserved position in the protein, it is predicted to be benign by multiple in silico algorithms, and/or has population frequency not consistent with disease.

NM_003640.5(ELP1):c.741-104TCAT[5]

Gene: ELP1 (elongator acetyltransferase complex subunit 1; minus strand). Cytogenetic location: 9q31.3.
Variant type: Microsatellite.
Coding change: c.741-104TCAT[5] on transcript NM_003640.5 (MANE Select); five copies in a row of the 4-base unit TCAT starting at c.741-104; the reference has four copies in a row; one copy, 4 bases duplicated.
Molecular consequence: intron variant.
Genome position (GRCh38, 1-based): chr9:108,917,759-108,917,762, ATGA duplicated on the plus strand (TCAT on the coding strand, the reverse complement: ELP1 is on the minus strand); duplicating any 4 consecutive bases within chr9:108,917,759-108,917,775 gives the same sequence; the position shown is the placement nearest the transcript's 3' end. VCF-style (leftmost placement, unchanged base first): chr9-108917758-C-CATGA. GRCh37 (hg19) VCF-style: chr9-111680038-C-CATGA.
Other names: c.399-104TCAT[5] (NM_001318360.2); c.-307-104TCAT[5] (NM_001330749.2).
Identifiers: ClinVar variation 675721 (VCV000675721.1), dbSNP rs57787716, ClinGen allele CA197521985.